The following is an entry in ClinVar:

ClinVar aggregate classification (germline): Uncertain significance. Review status: criteria provided, multiple submitters, no conflicts (2 of 4 stars). 2 submissions from 2 submitters: Uncertain significance (2). Last evaluated 2025-05-08.

gnomAD v4.1: 1 of 1,179,417 alleles (0.000085%); highest among the groups gnomAD compares: Non-Finnish European, 0.00012%; no homozygotes.

Submissions (2):

Labcorp Genetics (formerly Invitae), Labcorp
Classification: Uncertain significance. Last evaluated: 2025-05-08. Review status: criteria provided, single submitter. Criteria: Invitae Variant Classification Sherloc (09022015). Collection method: clinical testing. Allele origin: germline.
Comment: This sequence change falls in intron 4 of the MID1 gene. It does not directly change the encoded amino acid sequence of the MID1 protein. It affects a nucleotide within the consensus splice site. This variant is present in population databases (no rsID available, gnomAD 0.001%). This variant has not been reported in the literature in individuals affected with MID1-related conditions. ClinVar contains an entry for this variant (Variation ID: 3339122). Variants that disrupt the consensus splice site are a relatively common cause of aberrant splicing (PMID: 17576681, 9536098). Algorithms developed to predict the effect of sequence changes on RNA splicing suggest that this variant is not likely to affect RNA splicing. In summary, the available evidence is currently insufficient to determine the role of this variant in disease. Therefore, it has been classified as a Variant of Uncertain Significance.

Women's Health and Genetics/Laboratory Corporation of America, LabCorp
Classification: Uncertain significance. Last evaluated: 2024-07-05. Review status: criteria provided, single submitter. Criteria: LabCorp Variant Classification Summary - May 2015. Collection method: clinical testing. Allele origin: germline.
Comment: Variant summary: MID1 c.864+4T>G alters a conserved nucleotide located close to a canonical splice site and therefore could affect mRNA splicing, leading to a significantly altered protein sequence. Consensus agreement among computation tools predict no significant impact on normal splicing. However, these predictions have yet to be confirmed by functional studies. The variant allele was found at a frequency of 5.5e-06 in 182706 control chromosomes. The available data on variant occurrences in the general population are insufficient to allow any conclusion about variant significance. To our knowledge, no occurrence of c.864+4T>G in individuals affected with Opitz G/BBB syndrome and no experimental evidence demonstrating its impact on protein function have been reported. No submitters have cited clinical-significance assessments for this variant to ClinVar. Based on the evidence outlined above, the variant was classified as uncertain significance.

Literature cited by the submitters: PubMed 17576681 (cited by Labcorp Genetics (formerly Invitae), Labcorp); PubMed 9536098 (cited by Labcorp Genetics (formerly Invitae), Labcorp).

NM_000381.4(MID1):c.864+4T>G

Gene: MID1 (midline 1; minus strand). Cytogenetic location: Xp22.2.
Variant type: single nucleotide variant.
Coding change: c.864+4T>G on transcript NM_000381.4 (MANE Select); 4 bases into the intron after coding-DNA position 864, T replaced by G.
Molecular consequence: intron variant.
Genome position (GRCh38, 1-based): chrX:10,495,580, A>C on the plus strand (T>G on the coding strand, the complement: MID1 is on the minus strand). VCF-style: chrX-10495580-A-C. GRCh37 (hg19) VCF-style: chrX-10463620-A-C.
Other names: c.864+4T>G (NM_033290.4, NM_001098624.2, NM_001347733.2 and 2 more transcripts); c.750+4T>G (NM_033289.2, NM_001193280.1); c.1017+4T>G (NM_001193278.1).
Identifiers: ClinVar variation 3339122 (VCV003339122.2).